The following is an entry in ClinVar:

ClinVar aggregate classification (germline): Conflicting classifications of pathogenicity. Review status: criteria provided, conflicting classifications (1 of 4 stars). 19 submissions from 17 submitters: Uncertain significance (3); Benign (3); Likely benign (8). 5 of the submissions do not count toward it. Last evaluated 2026-01-31.

Conditions:
WT1-related disorder. Also called: WT1-related disorders. Identifiers: MedGen CN377814.
Microscopic hematuria. Also called: Microhematuria. Identifiers: MedGen C0239937, HP:0002907.
Wilms tumor 1 (WT1). Also called: Wilms tumor, somatic. Identifiers: Orphanet 654, MedGen CN033288, MONDO:0008679, OMIM 194070.
11p partial monosomy syndrome (WAGR). Also called: WAGR Complex; WAGR syndrome; WAGR Spectrum Disorder; CHROMOSOME 11p13 DELETION SYNDROME. Identifiers: Orphanet 893, MedGen C0206115, MONDO:0008681, OMIM 194072.
Drash syndrome (DDS). Also called: NEPHROPATHY, WILMS TUMOR, AND GENITAL ANOMALIES; WILMS TUMOR AND PSEUDO- OR TRUE HERMAPHRODITISM. Identifiers: Orphanet 220, MedGen C0950121, MONDO:0008682, OMIM 194080.
Frasier syndrome. Identifiers: Orphanet 347, MedGen C0950122, MeSH D052159, MONDO:0007635, OMIM 136680.
Inborn genetic diseases. Identifiers: MedGen C0950123, MeSH D030342.
Hereditary cancer-predisposing syndrome. Also called: Tumor predisposition; Hereditary neoplastic syndrome; Hereditary Cancer Syndrome; Neoplastic Syndromes, Hereditary. Identifiers: Orphanet 140162, MedGen C0027672, MeSH D009386, MONDO:0015356.
Nephrotic syndrome, type 4 (NPHS4). Also called: Familial mesangial sclerosis; Nephrotic syndrome, early onset with diffuse mesangial sclerosis. Identifiers: Orphanet 656, MedGen C3151568, MONDO:0009733, OMIM 256370.
Meacham syndrome. Also called: Meacham Winn Culler syndrome. Identifiers: Orphanet 3097, MedGen C1837026, MONDO:0012164, OMIM 608978.

Allele frequency attached by ClinVar (database versions not stated): gnomAD 0.00022; TOPMed 0.00030; ESP Exome Variant Server 0.00038; 1000 Genomes Project 0.00040; 1000 Genomes Project 30x 0.00047.
gnomAD v4.1: 828 of 1,614,126 alleles (0.051%); highest among the groups gnomAD compares: Non-Finnish European, 0.062%; 1 homozygote.

Submissions (19):

Labcorp Genetics (formerly Invitae), Labcorp
Classification: Benign for Wilms tumor 1; Drash syndrome; 11p partial monosomy syndrome; Frasier syndrome. Last evaluated: 2026-01-31. Review status: criteria provided, single submitter. Criteria: Invitae Variant Classification Sherloc (09022015). Collection method: clinical testing. Allele origin: germline.

Women's Health and Genetics/Laboratory Corporation of America, LabCorp
Classification: Likely benign. Last evaluated: 2025-01-10. Review status: criteria provided, single submitter. Criteria: LabCorp Variant Classification Summary - May 2015. Collection method: clinical testing. Allele origin: germline.
Comment: Variant summary: WT1 c.760C>T (p.Pro254Ser) results in a non-conservative amino acid change in the encoded protein sequence. Three of five in-silico tools predict a benign effect of the variant on protein function. The variant allele was found at a frequency of 0.00052 in 1461804 control chromosomes in the gnomAD database, including 1 homozygotes. The observed variant frequency is approximately 55.97 fold of the estimated maximal expected allele frequency for a pathogenic variant in WT1 causing Wilms Tumor, Type 1 phenotype (9.4e-06). c.760C>T has been reported in the literature in individuals affected with Wilms Tumor, amongts other phenotypes (ie: Schumacher_1997, etc). These report(s) do not provide unequivocal conclusions about association of the variant with Wilms Tumor, Type 1. To our knowledge, no experimental evidence demonstrating an impact on protein function has been reported. The following publication has been ascertained in the context of this evaluation (PMID: 9108089). ClinVar contains an entry for this variant (Variation ID: 135453). Based on the evidence outlined above, the variant was classified as likely benign.

Ambry Genetics
Classification: Benign for Inborn genetic diseases. Last evaluated: 2024-09-11. Review status: criteria provided, single submitter. Criteria: Ambry Variant Classification Scheme 2023. Collection method: clinical testing. Allele origin: germline.

Blueprint Genetics
Classification: Likely benign. Last evaluated: 2024-07-08. Review status: criteria provided, single submitter. Criteria: ACMG Guidelines, 2015. Collection method: clinical testing. Allele origin: germline.

GeneDx
Classification: Likely benign. Last evaluated: 2024-03-08. Review status: criteria provided, single submitter. Criteria: GeneDx Variant Classification Process June 2021. Collection method: clinical testing. Allele origin: germline. Affected: yes.
Comment: See Variant Classification Assertion Criteria.

CeGaT Center for Human Genetics Tuebingen
Classification: Likely benign. Last evaluated: 2023-12-01. Review status: criteria provided, single submitter. Criteria: CeGaT Center For Human Genetics Tuebingen Variant Classification Criteria Version 2. Collection method: clinical testing. Allele origin: germline. Affected: yes. Observed: 2 variant alleles.
Comment: WT1: PM5:Supporting, PS4:Supporting, BP4, BS1

Color Diagnostics, LLC DBA Color Health
Classification: Likely benign for Wilms tumor 1. Last evaluated: 2022-09-16. Review status: criteria provided, single submitter. Criteria: ACMG Guidelines, 2015. Collection method: clinical testing. Allele origin: germline.

UNC Molecular Genetics  Laboratory, University of North Carolina at Chapel Hill
Classification: Uncertain significance for Microscopic hematuria. Last evaluated: 2022-02-15. Review status: criteria provided, single submitter. Criteria: ACMG Guidelines, 2015. Collection method: clinical testing. Allele origin: germline. Affected: yes. Observed: 1 heterozygote.

Sema4
Classification: Likely benign for Hereditary cancer-predisposing syndrome. Last evaluated: 2021-11-05. Review status: criteria provided, single submitter. Criteria: Sema4 Curation Guidelines. Collection method: curation. Allele origin: germline.

Genetic Services Laboratory, University of Chicago
Classification: Uncertain significance. Last evaluated: 2020-10-01. Review status: criteria provided, single submitter. Criteria: ACMG Guidelines, 2015. Collection method: clinical testing. Allele origin: germline. Affected: no.
Comment: DNA sequence analysis of the WT1 gene demonstrated a sequence change, c.760C>T, in exon 2 that results in an amino acid change, p.Pro254Ser. This sequence change has been described in the gnomAD database with a frequency of 0.063% in the European sub-population (dbSNP rs2234584). The p.Pro254Ser change has been identified in one individual with Wilm's tumor and another individual with 46,XY disorder of sexual development (PMIDs: 9108089, 21508141). The p.Pro254Ser change affects a moderately conserved amino acid residue located in a domain of the WT1 protein that is known to be functional. The p.Pro254Ser substitution appears to be benign using several in-silico pathogenicity prediction tools (SIFT, PolyPhen2, Align GVGD, REVEL). Due to these contrasting evidences and the lack of functional studies, the clinical significance of the p.Pro254Ser change remains unknown at this time.

Illumina Laboratory Services, Illumina
Classification: Likely benign for Wilms tumor 1. Last evaluated: 2017-04-27. Review status: criteria provided, single submitter. Criteria: ICSL Variant Classification Criteria 13 December 2019. Collection method: clinical testing. Allele origin: germline.
Comment: This variant was observed as part of a predisposition screen in an ostensibly healthy population. A literature search was performed for the gene, cDNA change, and amino acid change (where applicable). No publications were found based on this search. Allele frequency data from public databases allowed determination this variant is unlikely to cause disease. Therefore, this variant is classified as likely benign.

Illumina Laboratory Services, Illumina
Classification: Benign for Meacham syndrome. Last evaluated: 2017-04-27. Review status: criteria provided, single submitter. Criteria: ICSL Variant Classification Criteria 13 December 2019. Collection method: clinical testing. Allele origin: germline.
Comment: This variant was observed as part of a predisposition screen in an ostensibly healthy population. A literature search was performed for the gene, cDNA change, and amino acid change (where applicable). No publications were found based on this search. Allele frequency data from public databases was too high to be consistent with this variant causing disease. Therefore, this variant is classified as benign.

Illumina Laboratory Services, Illumina
Classification: Likely benign for Nephrotic syndrome, type 4. Last evaluated: 2017-04-27. Review status: criteria provided, single submitter. Criteria: ICSL Variant Classification Criteria 13 December 2019. Collection method: clinical testing. Allele origin: germline.
Comment: the same text as in the submission from Illumina Laboratory Services, Illumina above.

Laboratory for Molecular Medicine, Mass General Brigham Personalized Medicine
Classification: Uncertain significance. Last evaluated: 2017-01-25. Review status: criteria provided, single submitter. Criteria: LMM Criteria. Collection method: clinical testing. Allele origin: germline.
Comment: Variant identified in a genome or exome case(s) and assessed due to predicted null impact of the variant or pathogenic assertions in the literature or databases. Disclaimer: This variant has not undergone full assessment. The following are preliminary notes: Classified this year. The variant has been reported in 4 papers: 1 patient with wilms tumor but no second somatic mutation, 1 healthy indvidual, 1 with abnormal sex development, and one with ureteropelvic junction obstruction in which it was predicted to be VUS. It has been seen in 40/66282 alleles in ExAC (0.06%) (too high for disease/gene contribution?).

PreventionGenetics, part of Exact Sciences
Classification: Likely benign for WT1-related condition. Last evaluated: 2020-10-15. Review status: no assertion criteria provided. Collection method: clinical testing. Allele origin: germline. Not counted in ClinVar's aggregate classification.
Comment: This variant is classified as likely benign based on ACMG/AMP sequence variant interpretation guidelines (Richards et al. 2015 PMID: 25741868, with internal and published modifications).

Gharavi Laboratory, Columbia University
Classification: Uncertain significance. Last evaluated: 2018-09-16. Review status: no assertion criteria provided. Criteria: ACMG Guidelines, 2015. Collection method: research. Allele origin: germline. Affected: no. Not counted in ClinVar's aggregate classification.

ITMI
No classification provided. Condition: AllHighlyPenetrant. Last evaluated: 2013-09-19. Review status: no classification provided. Collection method: reference population. Allele origin: germline. Not counted in ClinVar's aggregate classification.
Comment: Please see associated publication for description of ethnicities

Clinical Genetics DNA and cytogenetics Diagnostics Lab, Erasmus MC, Erasmus Medical Center
Classification: Likely benign. Review status: no assertion criteria provided. Collection method: clinical testing. Allele origin: germline. Affected: yes. Study: VKGL Data-share Consensus. Not counted in ClinVar's aggregate classification.

Laboratory of Diagnostic Genome Analysis, Leiden University Medical Center (LUMC)
Classification: Likely benign. Review status: no assertion criteria provided. Collection method: clinical testing. Allele origin: germline. Affected: yes. Study: VKGL Data-share Consensus. Not counted in ClinVar's aggregate classification.

Literature cited by the submitters: PubMed 9108089 (cited by Women's Health and Genetics/Laboratory Corporation of America, LabCorp); PubMed 24728327 (cited by ITMI).

NM_024426.6(WT1):c.760C>T (p.Pro254Ser)

Gene: WT1 (WT1 transcription factor; minus strand). Cytogenetic location: 11p13.
Variant type: single nucleotide variant.
Coding change: c.760C>T on transcript NM_024426.6 (MANE Select); coding-DNA position 760, C replaced by T.
Protein change: p.Pro254Ser; replaces proline 254 with serine.
Molecular consequence: missense variant. On other transcripts: non-coding transcript variant (1).
Genome position (GRCh38, 1-based): chr11:32,428,521, G>A on the plus strand (C>T on the coding strand, the complement: WT1 is on the minus strand). VCF-style: chr11-32428521-G-A. GRCh37 (hg19) VCF-style: chr11-32450067-G-A.
Other names: c.760C>T, p.Pro254Ser (NM_000378.6, NM_001407044.1, NM_001407045.1 and 4 more transcripts); c.109C>T, p.Pro37Ser (NM_001198551.2, NM_001198552.2); c.-3C>T (NM_001407051.1); c.745C>T, p.Pro249Ser (NM_024425.2); short protein forms P37S, P254S.
Identifiers: ClinVar variation 135453 (VCV000135453.65), dbSNP rs2234584, ClinGen allele CA016444.
Genomic context (GRCh38, chr11:32,428,521, plus strand): 5'-AGGGGAGAAGGACTCCACTTGGTTCCGCTCGCTTACCCAGCGAGCCCTGCTGGCCCATGG[G>A]ATCCTCATGCTTGAATGAGTGGTTGGGGAACTGCGCCGCATGGTGCGAGGGCGTGTGACC-3'
Protein context (NP_077744.4, residues 244-264): FPNHSFKHED[Pro254Ser]MGQQGSLGEQ